The following is an entry in ClinVar:

ClinVar aggregate classification (germline): Likely pathogenic (1 of 4 stars; one submission).

Conditions:
Cardiovascular phenotype. Identifiers: MedGen CN230736.

Submission:

Ambry Genetics
Classification: Likely pathogenic for Cardiovascular phenotype. Last evaluated: 2025-03-21. Review status: criteria provided, single submitter. Criteria: Ambry Variant Classification Scheme 2023. Collection method: clinical testing. Allele origin: germline.
Comment: The c.36361delGinsAT variant, located in coding exon 133 of the TTN gene, results from the deletion of one nucleotide and insertion of two nucleotides causing a translational frameshift with a predicted alternate stop codon (p.V12121Ifs*20). This exon is located in the A-band region of the N2-B isoform of the titin protein and is constitutively expressed in TTN transcripts (percent spliced in or PSI 100%). This variant is considered to be rare based on population cohorts in the Genome Aggregation Database (gnomAD). This variant is expected to result in loss of function by premature protein truncation or nonsense-mediated mRNA decay. While truncating variants in TTN are present in 1-3% of the general population, truncating variants in the A-band are the most common cause of dilated cardiomyopathy (Herman DS et al. N. Engl. J. Med., 2012 Feb;366:619-28; Roberts AM et al. Sci Transl Med, 2015 Jan;7:270ra6). TTN truncating variants encoded in constitutive exons (PSI >90%) have been found to be significantly associated with DCM regardless of their position in titin (Schafer S et al. Nat. Genet., 2017 01;49:46-53; Akhtar MM et al. Circ Heart Fail, 2020 Oct;13:e006832; Massier M et al. Clin Genet, 2025 Jan). Based on the majority of available evidence to date, this variant is likely to be pathogenic.

NM_001267550.2(TTN):c.63556delinsAT (p.Val21186fs)

Genes: TTN (titin; minus strand), TTN-AS1 (TTN antisense RNA 1; plus strand). Cytogenetic location: 2q31.2.
Variant type: Indel.
Coding change: c.63556delinsAT on transcript NM_001267550.2 (MANE Select); coding-DNA position 63556, G replaced by AT.
Protein change: p.Val21186fs; shifts the reading frame from valine 21186.
Molecular consequence: frameshift variant.
Genome position (GRCh38, 1-based): chr2:178,587,753, C replaced by AT on the plus strand (G replaced by AT on the coding strand, the reverse complement: TTN is on the minus strand). VCF-style: chr2-178587753-C-AT. GRCh37 (hg19) VCF-style: chr2-179452480-C-AT.
Other names: c.58633delinsAT, p.Val19545fs (NM_001256850.1); c.36361delinsAT, p.Val12121fs (NM_003319.4); c.55852delinsAT, p.Val18618fs (NM_133378.4); c.36736delinsAT, p.Val12246fs (NM_133432.3); c.36937delinsAT, p.Val12313fs (NM_133437.4); c.36361delGinsAT (NM_003319.4); short protein forms V12246fs, V19545fs, V12121fs, V12313fs, V18618fs, V21186fs.
Identifiers: ClinVar variation 3975754 (VCV003975754.1).